The following is an entry in ClinVar:

NM_173651.4(FSIP2):c.5522T>C (p.Ile1841Thr)

Genes: FSIP2 (fibrous sheath interacting protein 2; plus strand), FSIP2-AS1 (FSIP2 antisense RNA 1; minus strand). Cytogenetic location: 2q32.1.
Variant type: single nucleotide variant.
Coding change: c.5522T>C on transcript NM_173651.4 (MANE Select); coding-DNA position 5522, T replaced by C.
Protein change: p.Ile1841Thr; replaces isoleucine 1841 with threonine.
Molecular consequence: missense variant.
Genome position (GRCh38, 1-based): chr2:185,792,658, T>C. VCF-style: chr2-185792658-T-C. GRCh37 (hg19) VCF-style: chr2-186657385-T-C.
Other names: short protein forms I1841T.
Identifiers: ClinVar variation 3056841 (VCV003056841.2), dbSNP rs16827140, ClinGen allele CA2016711.

ClinVar aggregate classification (germline): Benign (0 of 4 stars; one submission).

Conditions:
FSIP2-related disorder. Also called: FSIP2-related condition.

Allele frequency attached by ClinVar (database versions not stated): ExAC 0.00056; gnomAD exomes 0.00070; gnomAD 0.00737; 1000 Genomes Project 0.00819; TOPMed 0.00849; 1000 Genomes Project 30x 0.00890.
gnomAD v4.1: 2,126 of 1,533,648 alleles (0.14%); highest among the groups gnomAD compares: African/African-American, 2.6%; 35 homozygotes.

Submission:

PreventionGenetics, part of Exact Sciences
Classification: Benign for FSIP2-related condition. Last evaluated: 2019-03-11. Review status: no assertion criteria provided. Collection method: clinical testing. Allele origin: germline.
Comment: This variant is classified as benign based on ACMG/AMP sequence variant interpretation guidelines (Richards et al. 2015 PMID: 25741868, with internal and published modifications).